The following is an entry in ClinVar:

ClinVar aggregate classification (germline): Uncertain significance (1 of 4 stars; one submission).

gnomAD v4.1: 5 of 1,612,992 alleles (0.00031%); highest among the groups gnomAD compares: Non-Finnish European, 0.00034%; no homozygotes.

Submission:

Ambry Genetics
Classification: Uncertain significance. Last evaluated: 2023-12-15. Review status: criteria provided, single submitter. Criteria: Ambry Variant Classification Scheme 2023. Collection method: clinical testing. Allele origin: germline.
Comment: The p.S2343F variant (also known as c.7028C>T), located in coding exon 25 of the POLQ gene, results from a C to T substitution at nucleotide position 7028. The serine at codon 2343 is replaced by phenylalanine, an amino acid with highly dissimilar properties. This amino acid position is conserved. In addition, this alteration is predicted to be deleterious by in silico analysis. Since supporting evidence is limited at this time, the clinical significance of this alteration remains unclear.

NM_199420.4(POLQ):c.7028C>T (p.Ser2343Phe)

Gene: POLQ (DNA polymerase theta; minus strand). Cytogenetic location: 3q13.33.
Variant type: single nucleotide variant.
Coding change: c.7028C>T on transcript NM_199420.4 (MANE Select); coding-DNA position 7028, C replaced by T.
Protein change: p.Ser2343Phe; replaces serine 2343 with phenylalanine.
Molecular consequence: missense variant.
Genome position (GRCh38, 1-based): chr3:121,460,174, G>A on the plus strand (C>T on the coding strand, the complement: POLQ is on the minus strand). VCF-style: chr3-121460174-G-A. GRCh37 (hg19) VCF-style: chr3-121179021-G-A.
Other names: short protein forms S2343F.
Identifiers: ClinVar variation 1756752 (VCV001756752.2), dbSNP rs746607693, ClinGen allele CA354107497.